The following is an entry in ClinVar:

ClinVar aggregate classification (germline): Uncertain significance (1 of 4 stars; one submission).

Conditions:
Medulloblastoma (MDB). Also called: MEDULLOBLASTOMA PREDISPOSITION SYNDROME; Medulloblastoma, somatic. Identifiers: Orphanet 616, MedGen C0025149, MeSH D008527, MONDO:0007959, OMIM 155255, HP:0002885.

Submission:

St. Jude Molecular Pathology, St. Jude Children's Research Hospital
Classification: Uncertain significance for Medulloblastoma. Last evaluated: 2023-07-11. Review status: criteria provided, single submitter. Criteria: St. Jude Assertion Criteria 2020. Collection method: clinical testing. Allele origin: germline.
Comment: The ELP1 c.1220C>A (p.Thr407Asn) missense change is absent in gnomAD v2.1.1. The in silico tool REVEL predicts a benign effect on protein function, but to our knowledge this prediction has not been confirmed by functional studies. To our knowledge, this variant has not been reported in individuals with medulloblastoma or familial dysautonomia. In summary, the evidence currently available is insufficient to determine the clinical significance of this variant. It has therefore been classified as of uncertain significance.

NM_003640.5(ELP1):c.1220C>A (p.Thr407Asn)

Gene: ELP1 (elongator acetyltransferase complex subunit 1; minus strand). Cytogenetic location: 9q31.3.
Variant type: single nucleotide variant.
Coding change: c.1220C>A on transcript NM_003640.5 (MANE Select); coding-DNA position 1220, C replaced by A.
Protein change: p.Thr407Asn; replaces threonine 407 with asparagine.
Molecular consequence: missense variant.
Genome position (GRCh38, 1-based): chr9:108,911,150, G>T on the plus strand (C>A on the coding strand, the complement: ELP1 is on the minus strand). VCF-style: chr9-108911150-G-T. GRCh37 (hg19) VCF-style: chr9-111673430-G-T.
Other names: c.878C>A, p.Thr293Asn (NM_001318360.2); c.173C>A, p.Thr58Asn (NM_001330749.2); short protein forms T293N, T407N, T58N.
Identifiers: ClinVar variation 2577906 (VCV002577906.1), dbSNP rs536685247, ClinGen allele CA374429146.